The following is an entry in ClinVar:

NM_004614.5(TK2):c.529G>T (p.Asp177Tyr)

Gene: TK2 (thymidine kinase 2; minus strand). Cytogenetic location: 16q21.
Variant type: single nucleotide variant.
Coding change: c.529G>T on transcript NM_004614.5 (MANE Select); coding-DNA position 529, G replaced by T.
Protein change: p.Asp177Tyr; replaces aspartic acid 177 with tyrosine.
Molecular consequence: missense variant. On other transcripts: non-coding transcript variant (1), intron variant (1).
Genome position (GRCh38, 1-based): chr16:66,517,798, C>A on the plus strand (G>T on the coding strand, the complement: TK2 is on the minus strand). VCF-style: chr16-66517798-C-A. GRCh37 (hg19) VCF-style: chr16-66551701-C-A.
Other names: c.436G>T, p.Asp146Tyr (NM_001172643.1); c.454G>T, p.Asp152Tyr (NM_001172644.2); c.475G>T, p.Asp159Tyr (NM_001172645.2); c.382G>T, p.Asp128Tyr (NM_001271934.2); c.238G>T, p.Asp80Tyr (NM_001272050.2); c.357-3987G>T (NM_001271935.1); short protein forms D128Y, D146Y, D152Y, D159Y, D177Y, D80Y.
Identifiers: ClinVar variation 3778868 (VCV003778868.2).
Genomic context (GRCh38, chr16:66,517,798, plus strand): 5'-AAGGGACCCAGGAGAGAGACAAGAGAGGGAGGTGGGAGGGGTGCATCTCACCTATCAAAT[C>A]AACAGACACGTCCATGTTCCTCAAGATCCAGTCAAACCATTCCGACAGAACTACATAGTC-3'
Protein context (NP_004605.4, residues 167-187): WILRNMDVSV[Asp177Tyr]LIVYLRTNPE

ClinVar aggregate classification (germline): Uncertain significance (1 of 4 stars; one submission).

Conditions:
Mitochondrial disease. Also called: Mitochondrial disorders; Mitochondrial disorder. Identifiers: Orphanet 68380, MedGen C0751651, MeSH D028361, MONDO:0044970.

Submission:

Genomenon, Inc
Classification: Uncertain significance for Mitochondrial disease. Last evaluated: 2025-11-24. Review status: criteria provided, single submitter. Criteria: Genomenon Sequence Variant Interpretation Standards - Updated. Collection method: curation. Allele origin: germline. Affected: yes.
Comment: TK2 p.Asp177Tyr (c.529G>T) is a missense variant that changes the amino acid at residue 177 from Aspartic acid to Tyrosine. This variant has been observed in a proband affected with mitochondrial disease in the compound heterozygous state (31125140). This variant is not present at a significant frequency in gnomAD and in silico models agree that this variant is possibly or probably damaging. In conclusion, we classify TK2 p.Asp177Tyr (c.529G>T) as a variant of uncertain significance.

Literature cited by the submitters: PubMed 31125140.